The following is an entry in ClinVar:

NM_001099922.3(ALG13):c.81+108C>T

Gene: ALG13 (ALG13 UDP-N-acetylglucosaminyltransferase subunit; plus strand). Cytogenetic location: Xq23.
Variant type: single nucleotide variant.
Coding change: c.81+108C>T on transcript NM_001099922.3 (MANE Select); 108 bases into the intron after coding-DNA position 81, C replaced by T.
Molecular consequence: intron variant. On other transcripts: 5 prime UTR variant (7), non-coding transcript variant (1).
Genome position (GRCh38, 1-based): chrX:111,681,407, C>T. VCF-style: chrX-111681407-C-T. GRCh37 (hg19) VCF-style: chrX-110924635-C-T.
Other names: c.-112C>T (NM_001257231.2, NM_001257241.3); c.-145C>T (NM_001257234.2, NM_001257235.3); c.-249C>T (NM_001257237.2, NM_001257240.3, NM_001324293.1); c.81+108C>T (NM_001324292.2, NM_001324290.2, NM_001168385.3 and 2 more transcripts); c.-128+108C>T (NM_001257230.2, NM_001324291.2).
Identifiers: ClinVar variation 508434 (VCV000508434.1), dbSNP rs776511444, ClinGen allele CA334441187.

ClinVar aggregate classification (germline): Likely benign (1 of 4 stars; one submission).

Allele frequency attached by ClinVar (database versions not stated): gnomAD exomes 0.00001; gnomAD 0.00002 and 0.00003; TOPMed 0.00005; 1000 Genomes Project 30x 0.00021; 1000 Genomes Project 0.00026.
gnomAD v4.1: 17 of 1,169,145 alleles (0.0015%); highest among the groups gnomAD compares: East Asian, 0.036%; no homozygotes.

Submission:

GeneDx
Classification: Likely benign. Last evaluated: 2017-06-19. Review status: criteria provided, single submitter. Criteria: GeneDx Variant Classification (06012015). Collection method: clinical testing. Allele origin: germline. Affected: yes.
Comment: This variant is considered likely benign or benign based on one or more of the following criteria: it is a conservative change, it occurs at a poorly conserved position in the protein, it is predicted to be benign by multiple in silico algorithms, and/or has population frequency not consistent with disease.